The following is an entry in ClinVar:

NM_153460.4(IL17RC):c.908C>T (p.Ala303Val)

Gene: IL17RC (interleukin 17 receptor C; plus strand). Cytogenetic location: 3p25.3.
Variant type: single nucleotide variant.
Coding change: c.908C>T on transcript NM_153460.4 (MANE Select); coding-DNA position 908, C replaced by T.
Protein change: p.Ala303Val; replaces alanine 303 with valine.
Molecular consequence: missense variant. On other transcripts: non-coding transcript variant (1).
Genome position (GRCh38, 1-based): chr3:9,928,335, C>T. VCF-style: chr3-9928335-C-T. GRCh37 (hg19) VCF-style: chr3-9970019-C-T.
Other names: c.908C>T, p.Ala303Val (NM_001203263.2, NM_001203264.2); c.863C>T, p.Ala288Val (NM_001203265.2, NM_001367280.1, NM_001410711.1 and 1 more transcripts); c.869C>T, p.Ala290Val (NM_001367278.1); c.788C>T, p.Ala263Val (NM_001367279.1); c.1121C>T, p.Ala374Val (NM_153461.4); short protein forms A290V, A374V, A288V, A263V, A303V.
Identifiers: ClinVar variation 2783587 (VCV002783587.3), dbSNP rs1280865218, ClinGen allele CA351761426.

ClinVar aggregate classification (germline): Uncertain significance (1 of 4 stars; one submission).

Conditions:
Candidiasis, familial, 9 (CANDF9). Identifiers: Orphanet 1334, MedGen C4225324, MONDO:0014642, OMIM 616445.

Submission:

Labcorp Genetics (formerly Invitae), Labcorp
Classification: Uncertain significance for Candidiasis, familial, 9. Last evaluated: 2024-08-05. Review status: criteria provided, single submitter. Criteria: Invitae Variant Classification Sherloc (09022015). Collection method: clinical testing. Allele origin: germline.
Comment: This sequence change replaces alanine, which is neutral and non-polar, with valine, which is neutral and non-polar, at codon 374 of the IL17RC protein (p.Ala374Val). This variant is not present in population databases (gnomAD no frequency). This variant has not been reported in the literature in individuals affected with IL17RC-related conditions. An algorithm developed to predict the effect of missense changes on protein structure and function (PolyPhen-2) suggests that this variant is likely to be tolerated. In summary, the available evidence is currently insufficient to determine the role of this variant in disease. Therefore, it has been classified as a Variant of Uncertain Significance.